The following is an entry in ClinVar:

ClinVar aggregate classification (germline): Uncertain significance. Review status: criteria provided, multiple submitters, no conflicts (2 of 4 stars). 3 submissions from 3 submitters: Uncertain significance (2). 1 of the submissions does not count toward it. Last evaluated 2022-09-07.

Conditions:
Inborn genetic diseases. Identifiers: MedGen C0950123, MeSH D030342.
Neuronal ceroid lipofuscinosis 2. Also called: JANSKY-BIELSCHOWSKY DISEASE NEURONAL CEROID LIPOFUSCINOSIS, LATE INFANTILE; TPP1-Related Neuronal Ceroid-Lipofuscinosis. Identifiers: Orphanet 168491, Orphanet 228349, Orphanet 79264, MedGen C1876161, MONDO:0008769, OMIM 204500.

Allele frequency attached by ClinVar (database versions not stated): gnomAD exomes 0.00001; ExAC 0.00002; 1000 Genomes Project 30x 0.00016; 1000 Genomes Project 0.00020.

Submissions (3):

Labcorp Genetics (formerly Invitae), Labcorp
Classification: Uncertain significance. Last evaluated: 2022-09-07. Review status: criteria provided, single submitter. Criteria: Invitae Variant Classification Sherloc (09022015). Collection method: clinical testing. Allele origin: germline.
Comment: This sequence change replaces threonine, which is neutral and polar, with serine, which is neutral and polar, at codon 95 of the TPP1 protein (p.Thr95Ser). This variant is present in population databases (rs535584300, gnomAD 0.006%). This variant has not been reported in the literature in individuals affected with TPP1-related conditions. ClinVar contains an entry for this variant (Variation ID: 590160). Advanced modeling of protein sequence and biophysical properties (such as structural, functional, and spatial information, amino acid conservation, physicochemical variation, residue mobility, and thermodynamic stability) performed at Invitae indicates that this missense variant is expected to disrupt TPP1 protein function. In summary, the available evidence is currently insufficient to determine the role of this variant in disease. Therefore, it has been classified as a Variant of Uncertain Significance.

Ambry Genetics
Classification: Uncertain significance for Inborn genetic diseases. Last evaluated: 2017-05-30. Review status: criteria provided, single submitter. Criteria: Ambry Variant Classification Scheme 2023. Collection method: clinical testing. Allele origin: germline.
Comment: The p.T95S variant (also known as c.284C>G), located in coding exon 4 of the TPP1 gene, results from a C to G substitution at nucleotide position 284. The threonine at codon 95 is replaced by serine, an amino acid with similar properties. This amino acid position is highly conserved in available vertebrate species. In addition, the in silico prediction for this alteration is inconclusive. Since supporting evidence is limited at this time, the clinical significance of this alteration remains unclear.

Natera, Inc.
Classification: Uncertain significance for Neuronal ceroid lipofuscinosis 2. Last evaluated: 2020-03-11. Review status: no assertion criteria provided. Collection method: clinical testing. Allele origin: germline. Not counted in ClinVar's aggregate classification.

NM_000391.4(TPP1):c.284C>G (p.Thr95Ser)

Gene: TPP1 (tripeptidyl peptidase 1; minus strand). Cytogenetic location: 11p15.4.
Variant type: single nucleotide variant.
Coding change: c.284C>G on transcript NM_000391.4 (MANE Select); coding-DNA position 284, C replaced by G.
Protein change: p.Thr95Ser; replaces threonine 95 with serine.
Molecular consequence: missense variant.
Genome position (GRCh38, 1-based): chr11:6,617,722, G>C on the plus strand (C>G on the coding strand, the complement: TPP1 is on the minus strand). VCF-style: chr11-6617722-G-C. GRCh37 (hg19) VCF-style: chr11-6638953-G-C.
Other names: short protein forms T95S.
Identifiers: ClinVar variation 590160 (VCV000590160.8), dbSNP rs535584300, ClinGen allele CA5859000.